The following is an entry in ClinVar:

ClinVar aggregate classification (germline): Likely pathogenic (1 of 4 stars; one submission).

Conditions:
Fanconi anemia complementation group J. Also called: BRIP1-Related Fanconi Anemia. Identifiers: Orphanet 84, MedGen C1836860, MONDO:0012187, OMIM 609054.
Familial cancer of breast. Also called: Hereditary breast cancer; hereditary breast carcinoma; BREAST CANCER, FAMILIAL. Identifiers: Orphanet 227535, MedGen C0346153, MONDO:0016419, OMIM 114480. Disease mechanism: loss of function.

gnomAD v4.1: 1 of 1,610,278 alleles (0.000062%); highest among the groups gnomAD compares: Non-Finnish European, 0.000085%; no homozygotes.

Submission:

Labcorp Genetics (formerly Invitae), Labcorp
Classification: Likely pathogenic for Familial cancer of breast; Fanconi anemia complementation group J. Last evaluated: 2025-02-12. Review status: criteria provided, single submitter. Criteria: Invitae Variant Classification Sherloc (09022015). Collection method: clinical testing. Allele origin: germline.
Comment: This sequence change affects an acceptor splice site in intron 4 of the BRIP1 gene. It is expected to disrupt RNA splicing. Variants that disrupt the donor or acceptor splice site typically lead to a loss of protein function (PMID: 16199547), and loss-of-function variants in BRIP1 are known to be pathogenic (PMID: 16116423, 17033622, 21964575). This variant is not present in population databases (gnomAD no frequency). This variant has not been reported in the literature in individuals affected with BRIP1-related conditions. Algorithms developed to predict the effect of sequence changes on RNA splicing suggest that this variant may disrupt the consensus splice site. In summary, the currently available evidence indicates that the variant is pathogenic, but additional data are needed to prove that conclusively. Therefore, this variant has been classified as Likely Pathogenic.

Literature cited by the submitters: PubMed 16199547; PubMed 16116423; PubMed 17033622; PubMed 21964575.

NM_032043.3(BRIP1):c.380-1G>A

Gene: BRIP1 (BRCA1 interacting DNA helicase 1; minus strand). Cytogenetic location: 17q23.2.
Variant type: single nucleotide variant.
Coding change: c.380-1G>A on transcript NM_032043.3 (MANE Select); the canonical splice acceptor site of the intron before coding-DNA position 380, G replaced by A.
Molecular consequence: splice acceptor variant.
Genome position (GRCh38, 1-based): chr17:61,849,257, C>T on the plus strand (G>A on the coding strand, the complement: BRIP1 is on the minus strand). VCF-style: chr17-61849257-C-T. GRCh37 (hg19) VCF-style: chr17-59926618-C-T.
Identifiers: ClinVar variation 4784160 (VCV004784160.1).